The following is an entry in ClinVar:

NM_003049.4(SLC10A1):c.695T>C (p.Ile232Thr)

Gene: SLC10A1 (solute carrier family 10 member 1; minus strand). Cytogenetic location: 14q24.1.
Variant type: single nucleotide variant.
Coding change: c.695T>C on transcript NM_003049.4 (MANE Select); coding-DNA position 695, T replaced by C.
Protein change: p.Ile232Thr; replaces isoleucine 232 with threonine.
Molecular consequence: missense variant.
Genome position (GRCh38, 1-based): chr14:69,779,233, A>G on the plus strand (T>C on the coding strand, the complement: SLC10A1 is on the minus strand). VCF-style: chr14-69779233-A-G. GRCh37 (hg19) VCF-style: chr14-70245950-A-G.
Other names: short protein forms I232T.
Identifiers: ClinVar variation 3030937 (VCV003030937.2), dbSNP rs190268737, ClinGen allele CA7246046.
Genomic context (GRCh38, chr14:69,779,233, plus strand): 5'-AATACCTACCGTCCATTGAGGCAGAAGAGAGCAGAGAGAACATAACCCAGCAGAAAGCCA[A>G]TAAAAGGCATCAGGGAGGAGGTGGCAATCAAGAGTGGTGTCATGGCAAACATGATGCTCT-3'
Protein context (NP_003040.1, residues 222-242): LIATSSLMPF[Ile232Thr]GFLLGYVLSA

ClinVar aggregate classification (germline): Likely benign (0 of 4 stars; one submission).

Conditions:
SLC10A1-related disorder. Also called: SLC10A1-related condition.

Allele frequency attached by ClinVar (database versions not stated): gnomAD 0.00003; gnomAD exomes 0.00004; TOPMed 0.00015; 1000 Genomes Project 30x 0.00016; 1000 Genomes Project 0.00020; ExAC 0.00021.
gnomAD v4.1: 64 of 1,613,982 alleles (0.004%); highest among the groups gnomAD compares: Admixed American, 0.11%; 1 homozygote.

Submission:

PreventionGenetics, part of Exact Sciences
Classification: Likely benign for SLC10A1-related condition. Last evaluated: 2022-02-07. Review status: no assertion criteria provided. Collection method: clinical testing. Allele origin: germline.
Comment: This variant is classified as likely benign based on ACMG/AMP sequence variant interpretation guidelines (Richards et al. 2015 PMID: 25741868, with internal and published modifications).